The following is an entry in ClinVar:

NM_000059.4(BRCA2):c.610C>T (p.Leu204Phe)

Gene: BRCA2 (BRCA2 DNA repair associated; plus strand). Cytogenetic location: 13q13.1.
Variant type: single nucleotide variant.
Coding change: c.610C>T on transcript NM_000059.4 (MANE Select); coding-DNA position 610, C replaced by T.
Protein change: p.Leu204Phe; replaces leucine 204 with phenylalanine.
Molecular consequence: missense variant. On other transcripts: non-coding transcript variant (1).
Genome position (GRCh38, 1-based): chr13:32,326,592, C>T. VCF-style: chr13-32326592-C-T. GRCh37 (hg19) VCF-style: chr13-32900729-C-T.
Other names: c.610C>T, p.Leu204Phe (NM_001406719.1, NM_001406720.1, NM_001406721.1 and 1 more transcripts); c.241C>T, p.Leu81Phe (NM_001406722.1); short protein forms L204F, L81F.
Identifiers: ClinVar variation 4867846 (VCV004867846.1).

ClinVar aggregate classification (germline): Uncertain significance (1 of 4 stars; one submission).

Conditions:
Hereditary cancer-predisposing syndrome. Also called: Neoplastic Syndromes, Hereditary; Tumor predisposition; Hereditary Cancer Syndrome; Hereditary neoplastic syndrome. Identifiers: Orphanet 140162, MedGen C0027672, MeSH D009386, MONDO:0015356.

Submission:

Ambry Genetics
Classification: Uncertain significance for Hereditary cancer-predisposing syndrome. Last evaluated: 2026-05-01. Review status: criteria provided, single submitter. Criteria: Ambry Variant Classification Scheme 2023. Collection method: clinical testing. Allele origin: germline.
Comment: The p.L204F variant (also known as c.610C>T), located in coding exon 6 of the BRCA2 gene, results from a C to T substitution at nucleotide position 610. The leucine at codon 204 is replaced by phenylalanine, an amino acid with highly similar properties. This amino acid position is well conserved in available vertebrate species. In addition, this alteration is predicted to be tolerated by in silico analysis. Based on the available evidence, the clinical significance of this variant remains unclear.